The following is an entry in ClinVar:

ClinVar aggregate classification (germline): Uncertain significance. Review status: criteria provided, multiple submitters, no conflicts (2 of 4 stars). 2 submissions from 2 submitters: Uncertain significance (2). Last evaluated 2024-09-19.

Conditions:
Ataxia-telangiectasia-like disorder (ATLD). Identifiers: MedGen C1858391, MONDO:0011457.
Hereditary cancer-predisposing syndrome. Also called: Neoplastic Syndromes, Hereditary; Tumor predisposition; Hereditary Cancer Syndrome; Hereditary neoplastic syndrome. Identifiers: Orphanet 140162, MedGen C0027672, MeSH D009386, MONDO:0015356.

Allele frequency attached by ClinVar (database versions not stated): gnomAD 0.00001.
gnomAD v4.1: 1 of 1,613,096 alleles (0.000062%); highest among the groups gnomAD compares: Non-Finnish European, 0.000085%; no homozygotes.

Submissions (2):

Ambry Genetics
Classification: Uncertain significance for Hereditary cancer-predisposing syndrome. Last evaluated: 2024-09-19. Review status: criteria provided, single submitter. Criteria: Ambry Variant Classification Scheme 2023. Collection method: clinical testing. Allele origin: germline.
Comment: The p.S209F variant (also known as c.626C>T), located in coding exon 6 of the MRE11A gene, results from a C to T substitution at nucleotide position 626. The serine at codon 209 is replaced by phenylalanine, an amino acid with highly dissimilar properties. This amino acid position is well conserved in available vertebrate species. In addition, the in silico prediction for this alteration is inconclusive. Based on the available evidence, the clinical significance of this variant remains unclear.

Labcorp Genetics (formerly Invitae), Labcorp
Classification: Uncertain significance for Ataxia-telangiectasia-like disorder. Last evaluated: 2017-04-14. Review status: criteria provided, single submitter. Criteria: Invitae Variant Classification Sherloc (09022015). Collection method: clinical testing. Allele origin: germline.
Comment: In summary, this variant is a novel missense change with uncertain impact on protein function. It has been classified as a Variant of Uncertain Significance. Algorithms developed to predict the effect of missense changes on protein structure and function do not agree on the potential impact of this missense change (SIFT: "Deleterious"; PolyPhen-2: "Benign"; Align-GVGD: "Class C15"). This variant is not present in population databases (ExAC no frequency) and has not been reported in the literature in individuals with a MRE11-related disease. This sequence change replaces serine with phenylalanine at codon 209 of the MRE11 protein (p.Ser209Phe). The serine residue is moderately conserved and there is a large physicochemical difference between serine and phenylalanine.

NM_005591.4(MRE11):c.626C>T (p.Ser209Phe)

Gene: MRE11 (MRE11 double strand break repair nuclease; minus strand). Cytogenetic location: 11q21.
Variant type: single nucleotide variant.
Coding change: c.626C>T on transcript NM_005591.4 (MANE Select); coding-DNA position 626, C replaced by T.
Protein change: p.Ser209Phe; replaces serine 209 with phenylalanine.
Molecular consequence: missense variant.
Genome position (GRCh38, 1-based): chr11:94,476,322, G>A on the plus strand (C>T on the coding strand, the complement: MRE11 is on the minus strand). VCF-style: chr11-94476322-G-A. GRCh37 (hg19) VCF-style: chr11-94209488-G-A.
Other names: c.626C>T, p.Ser209Phe (NM_001330347.2, NM_005590.4); short protein forms S209F.
Identifiers: ClinVar variation 466442 (VCV000466442.11), dbSNP rs1555014479, ClinGen allele CA382376671.
Genomic context (GRCh38, chr11:94,476,322, plus strand): 5'-TCAAACTTTTTCAGAGAAAAGTTTTACCTGTTCTGATGAATCACAAATAAGTTAAACCAA[G>A]AGTTCTCATCTTCCTTTGGTCTCAACATTGTTACTTTTTTATTGACAAACATTCGATAGA-3'
Protein context (NP_005582.1, residues 199-219): TMLRPKEDEN[Ser209Phe]WFNLFVIHQN